The following is an entry in ClinVar:

NM_017780.4(CHD7):c.1543C>G (p.Pro515Ala)

Gene: CHD7 (chromodomain helicase DNA binding protein 7; plus strand). Cytogenetic location: 8q12.2.
Variant type: single nucleotide variant.
Coding change: c.1543C>G on transcript NM_017780.4 (MANE Select); coding-DNA position 1543, C replaced by G.
Protein change: p.Pro515Ala; replaces proline 515 with alanine.
Molecular consequence: missense variant.
Genome position (GRCh38, 1-based): chr8:60,742,975, C>G. VCF-style: chr8-60742975-C-G. GRCh37 (hg19) VCF-style: chr8-61655534-C-G.
Other names: c.1543C>G, p.Pro515Ala (NM_001316690.1); short protein forms P515A.
Identifiers: ClinVar variation 2169823 (VCV002169823.4), dbSNP rs1210884047, ClinGen allele CA371303385.

ClinVar aggregate classification (germline): Uncertain significance (1 of 4 stars; one submission).

Conditions:
CHARGE syndrome (CHARGE). Also called: Hittner Hirsch Kreh syndrome; CHARGE ASSOCIATION--COLOBOMA, HEART ANOMALY, CHOANAL ATRESIA, RETARDATION, GENITAL AND EAR ANOMALIES; Coloboma, heart anomaly, choanal atresia, retardation, genital and ear anomalies; CHARGE association; Hall-Hittner syndrome. Identifiers: Orphanet 138, MedGen C0265354, MONDO:0008965.

Allele frequency attached by ClinVar (database versions not stated): gnomAD exomes below 0.00001.
gnomAD v4.1: 3 of 1,613,632 alleles (0.00019%); highest among the groups gnomAD compares: Non-Finnish European, 0.00025%; no homozygotes.

Submission:

Labcorp Genetics (formerly Invitae), Labcorp
Classification: Uncertain significance for CHARGE syndrome. Last evaluated: 2022-09-13. Review status: criteria provided, single submitter. Criteria: Invitae Variant Classification Sherloc (09022015). Collection method: clinical testing. Allele origin: germline.
Comment: In summary, the available evidence is currently insufficient to determine the role of this variant in disease. Therefore, it has been classified as a Variant of Uncertain Significance. Advanced modeling of protein sequence and biophysical properties (such as structural, functional, and spatial information, amino acid conservation, physicochemical variation, residue mobility, and thermodynamic stability) performed at Invitae indicates that this missense variant is not expected to disrupt CHD7 protein function. This variant has not been reported in the literature in individuals affected with CHD7-related conditions. This variant is not present in population databases (gnomAD no frequency). This sequence change replaces proline, which is neutral and non-polar, with alanine, which is neutral and non-polar, at codon 515 of the CHD7 protein (p.Pro515Ala).